The following is an entry in ClinVar:

ClinVar aggregate classification (germline): Uncertain significance (1 of 4 stars; one submission).

Submission:

GeneDx
Classification: Uncertain significance. Last evaluated: 2026-03-27. Review status: criteria provided, single submitter. Criteria: GeneDx Variant Classification Process June 2021. Collection method: clinical testing. Allele origin: germline.
Comment: Not observed at significant frequency in large population cohorts (gnomAD); In silico analysis suggests that this missense variant does not alter protein structure/function; Has not been previously published as pathogenic or benign to our knowledge

NM_033026.6(PCLO):c.7967C>A (p.Pro2656His)

Gene: PCLO (piccolo presynaptic cytomatrix protein; minus strand). Cytogenetic location: 7q21.11.
Variant type: single nucleotide variant.
Coding change: c.7967C>A on transcript NM_033026.6 (MANE Select); coding-DNA position 7967, C replaced by A.
Protein change: p.Pro2656His; replaces proline 2656 with histidine.
Molecular consequence: missense variant.
Genome position (GRCh38, 1-based): chr7:82,952,986, G>T on the plus strand (C>A on the coding strand, the complement: PCLO is on the minus strand). VCF-style: chr7-82952986-G-T. GRCh37 (hg19) VCF-style: chr7-82582302-G-T.
Other names: c.7967C>A, p.Pro2656His (NM_014510.3); short protein forms P2656H.
Identifiers: ClinVar variation 5017464 (VCV005017464.1).
Genomic context (GRCh38, chr7:82,952,986, plus strand): 5'-TTGGAAACTTCAGTAGTGAGAAACTGTGTAACTGATGTGGGAGCTGCTTGAAATGAAGAG[G>T]GTGCTGTGACAGGGGTAGCAGAAAATGTCTGTAAAGCTCCAGAGATGTAGAAGGTCTGTT-3'
Protein context (NP_149015.2, residues 2646-2666): QTFSATPVTA[Pro2656His]SSFQAAPTSV